The following is an entry in ClinVar:

NM_032043.3(BRIP1):c.1462C>T (p.Pro488Ser)

Gene: BRIP1 (BRCA1 interacting DNA helicase 1; minus strand). Cytogenetic location: 17q23.2.
Variant type: single nucleotide variant.
Coding change: c.1462C>T on transcript NM_032043.3 (MANE Select); coding-DNA position 1462, C replaced by T.
Protein change: p.Pro488Ser; replaces proline 488 with serine.
Molecular consequence: missense variant.
Genome position (GRCh38, 1-based): chr17:61,793,608, G>A on the plus strand (C>T on the coding strand, the complement: BRIP1 is on the minus strand). VCF-style: chr17-61793608-G-A. GRCh37 (hg19) VCF-style: chr17-59870969-G-A.
Other names: short protein forms P488S.
Identifiers: ClinVar variation 461074 (VCV000461074.16), dbSNP rs1450320184, ClinGen allele CA400482052.

ClinVar aggregate classification (germline): Uncertain significance. Review status: criteria provided, multiple submitters, no conflicts (2 of 4 stars). 2 submissions from 2 submitters: Uncertain significance (2). Last evaluated 2026-08-17.

Conditions:
Hereditary cancer-predisposing syndrome. Also called: Neoplastic Syndromes, Hereditary; Hereditary neoplastic syndrome; Hereditary Cancer Syndrome; Tumor predisposition. Identifiers: Orphanet 140162, MedGen C0027672, MeSH D009386, MONDO:0015356.
Familial cancer of breast. Also called: hereditary breast carcinoma; Hereditary breast cancer; BREAST CANCER, FAMILIAL. Identifiers: Orphanet 227535, MedGen C0346153, MONDO:0016419, OMIM 114480. Disease mechanism: loss of function.
Fanconi anemia complementation group J. Also called: BRIP1-Related Fanconi Anemia. Identifiers: Orphanet 84, MedGen C1836860, MONDO:0012187, OMIM 609054.

Allele frequency attached by ClinVar (database versions not stated): gnomAD exomes below 0.00001.
gnomAD v4.1: 1 of 1,606,096 alleles (0.000062%); highest among the groups gnomAD compares: East Asian, 0.0022%; no homozygotes.

Submissions (2):

Ambry Genetics
Classification: Uncertain significance for Hereditary cancer-predisposing syndrome. Last evaluated: 2026-08-17. Review status: criteria provided, single submitter. Criteria: Ambry Variant Classification Scheme 2023. Collection method: clinical testing. Allele origin: germline.
Comment: The c.1462C>T (p.P488S) alteration is located in exon 10 (coding exon 9) of the BRIP1 gene. This alteration results from a C to T substitution at nucleotide position 1462, causing the proline (P) at amino acid position 488 to be replaced by a serine (S). Based on data from gnomAD, the T allele has an overall frequency of <0.001% (0/241678) total alleles studied. The highest observed frequency was <0.001% (/) of alleles. Based on insufficient or conflicting evidence, the clinical significance of this alteration remains unclear.

Labcorp Genetics (formerly Invitae), Labcorp
Classification: Uncertain significance for Familial cancer of breast; Fanconi anemia complementation group J. Last evaluated: 2025-04-10. Review status: criteria provided, single submitter. Criteria: Invitae Variant Classification Sherloc (09022015). Collection method: clinical testing. Allele origin: germline.
Comment: This sequence change replaces proline, which is neutral and non-polar, with serine, which is neutral and polar, at codon 488 of the BRIP1 protein (p.Pro488Ser). This variant is not present in population databases (gnomAD no frequency). This variant has not been reported in the literature in individuals affected with BRIP1-related conditions. ClinVar contains an entry for this variant (Variation ID: 461074). Invitae Evidence Modeling of protein sequence and biophysical properties (such as structural, functional, and spatial information, amino acid conservation, physicochemical variation, residue mobility, and thermodynamic stability) indicates that this missense variant is not expected to disrupt BRIP1 protein function with a negative predictive value of 95%. In summary, the available evidence is currently insufficient to determine the role of this variant in disease. Therefore, it has been classified as a Variant of Uncertain Significance.